The following is an entry in ClinVar:

NM_000612.6(IGF2):c.341T>C (p.Phe114Ser)

Genes: IGF2 (insulin like growth factor 2; minus strand), INS-IGF2 (INS-IGF2 readthrough; minus strand). Cytogenetic location: 11p15.5.
Variant type: single nucleotide variant.
Coding change: c.341T>C on transcript NM_000612.6 (MANE Select); coding-DNA position 341, T replaced by C.
Protein change: p.Phe114Ser; replaces phenylalanine 114 with serine.
Molecular consequence: missense variant. On other transcripts: non-coding transcript variant (1).
Genome position (GRCh38, 1-based): chr11:2,133,189, A>G on the plus strand (T>C on the coding strand, the complement: IGF2 is on the minus strand). VCF-style: chr11-2133189-A-G. GRCh37 (hg19) VCF-style: chr11-2154419-A-G.
Other names: c.341T>C, p.Phe114Ser (NM_001007139.6, NM_001291861.3, NM_001291862.3); c.509T>C, p.Phe170Ser (NM_001127598.3); short protein forms F114S, F170S.
Identifiers: ClinVar variation 4778390 (VCV004778390.1).

ClinVar aggregate classification (germline): Uncertain significance (1 of 4 stars; one submission).

gnomAD v4.1: 2 of 1,574,476 alleles (0.00013%); highest among the groups gnomAD compares: East Asian, 0.0046%; no homozygotes.

Submission:

Labcorp Genetics (formerly Invitae), Labcorp
Classification: Uncertain significance. Last evaluated: 2025-06-22. Review status: criteria provided, single submitter. Criteria: Invitae Variant Classification Sherloc (09022015). Collection method: clinical testing. Allele origin: germline.
Comment: This sequence change replaces phenylalanine, which is neutral and non-polar, with serine, which is neutral and polar, at codon 114 of the IGF2 protein (p.Phe114Ser). The frequency data for this variant in the population databases is considered unreliable, as metrics indicate poor data quality at this position in the gnomAD database. This variant has not been reported in the literature in individuals affected with IGF2-related conditions. An algorithm developed to predict the effect of missense changes on protein structure and function (PolyPhen-2) suggests that this variant is likely to be disruptive. In summary, the available evidence is currently insufficient to determine the role of this variant in disease. Therefore, it has been classified as a Variant of Uncertain Significance.